The following is an entry in ClinVar:

ClinVar aggregate classification (germline): Uncertain significance (1 of 4 stars; one submission).

gnomAD v4.1: 2 of 1,614,180 alleles (0.00012%); highest among the groups gnomAD compares: Non-Finnish European, 0.00017%; no homozygotes.

Submission:

Ambry Genetics
Classification: Uncertain significance. Last evaluated: 2024-03-09. Review status: criteria provided, single submitter. Criteria: Ambry Variant Classification Scheme 2023. Collection method: clinical testing. Allele origin: germline.
Comment: The p.G195R variant (also known as c.583G>A), located in coding exon 3 of the ALPK2 gene, results from a G to A substitution at nucleotide position 583. The glycine at codon 195 is replaced by arginine, an amino acid with dissimilar properties. This amino acid position is conserved. In addition, this alteration is predicted to be tolerated by in silico analysis. Since supporting evidence is limited at this time, the clinical significance of this alteration remains unclear.

NM_052947.4(ALPK2):c.583G>A (p.Gly195Arg)

Gene: ALPK2 (alpha kinase 2; minus strand). Cytogenetic location: 18q21.31.
Variant type: single nucleotide variant.
Coding change: c.583G>A on transcript NM_052947.4 (MANE Select); coding-DNA position 583, G replaced by A.
Protein change: p.Gly195Arg; replaces glycine 195 with arginine.
Molecular consequence: missense variant.
Genome position (GRCh38, 1-based): chr18:58,580,193, C>T on the plus strand (G>A on the coding strand, the complement: ALPK2 is on the minus strand). VCF-style: chr18-58580193-C-T. GRCh37 (hg19) VCF-style: chr18-56247425-C-T.
Other names: short protein forms G195R.
Identifiers: ClinVar variation 1750009 (VCV001750009.2), dbSNP rs1387502295, ClinGen allele CA402567666.